The following is an entry in ClinVar:

NM_198506.5(LRIT3):c.2023C>T (p.Pro675Ser)

Gene: LRIT3 (leucine rich repeat, Ig-like and transmembrane domains 3; plus strand). Cytogenetic location: 4q25.
Variant type: single nucleotide variant.
Coding change: c.2023C>T on transcript NM_198506.5 (MANE Select); coding-DNA position 2023, C replaced by T.
Protein change: p.Pro675Ser; replaces proline 675 with serine.
Molecular consequence: missense variant.
Genome position (GRCh38, 1-based): chr4:109,870,772, C>T. VCF-style: chr4-109870772-C-T. GRCh37 (hg19) VCF-style: chr4-110791928-C-T.
Other names: short protein forms P675S.
Identifiers: ClinVar variation 1955379 (VCV001955379.5), dbSNP rs1734816574, ClinGen allele CA357873436.

ClinVar aggregate classification (germline): Uncertain significance (1 of 4 stars; one submission).

Allele frequency attached by ClinVar (database versions not stated): gnomAD 0.00001; gnomAD exomes 0.00003.
gnomAD v4.1: 16 of 1,603,664 alleles (0.001%); highest among the groups gnomAD compares: East Asian, 0.036%; no homozygotes.

Submission:

Labcorp Genetics (formerly Invitae), Labcorp
Classification: Uncertain significance. Last evaluated: 2022-09-06. Review status: criteria provided, single submitter. Criteria: Invitae Variant Classification Sherloc (09022015). Collection method: clinical testing. Allele origin: germline.
Comment: In summary, the available evidence is currently insufficient to determine the role of this variant in disease. Therefore, it has been classified as a Variant of Uncertain Significance. Algorithms developed to predict the effect of missense changes on protein structure and function output the following: SIFT: "Tolerated"; PolyPhen-2: "Benign"; Align-GVGD: "Class C0". The serine amino acid residue is found in multiple mammalian species, which suggests that this missense change does not adversely affect protein function. This variant has not been reported in the literature in individuals affected with LRIT3-related conditions. This variant is not present in population databases (gnomAD no frequency). This sequence change replaces proline, which is neutral and non-polar, with serine, which is neutral and polar, at codon 675 of the LRIT3 protein (p.Pro675Ser).